The following is an entry in ClinVar:

NM_001127453.2(GSDME):c.*24G>A

Gene: GSDME (gasdermin E; minus strand). Cytogenetic location: 7p15.3.
Variant type: single nucleotide variant.
Coding change: c.*24G>A on transcript NM_001127453.2 (MANE Select); 24 bases downstream of the stop codon, G replaced by A.
Molecular consequence: 3 prime UTR variant.
Genome position (GRCh38, 1-based): chr7:24,699,002, C>T on the plus strand (G>A on the coding strand, the complement: GSDME is on the minus strand). VCF-style: chr7-24699002-C-T. GRCh37 (hg19) VCF-style: chr7-24738621-C-T.
Other names: c.*24G>A (NM_001127454.2, NM_004403.3).
Identifiers: ClinVar variation 359837 (VCV000359837.8), dbSNP rs199887441, ClinGen allele CA4191255.

ClinVar aggregate classification (germline): Likely benign. Review status: criteria provided, multiple submitters, no conflicts (2 of 4 stars). 2 submissions from 2 submitters: Likely benign (2). Last evaluated 2020-08-19.

Conditions:
Autosomal dominant nonsyndromic hearing loss 5. Identifiers: Orphanet 90635, MedGen C1832932, MONDO:0010973, OMIM 600994.

Allele frequency attached by ClinVar (database versions not stated): ESP Exome Variant Server 0.00015; gnomAD 0.00024 and 0.00026; gnomAD exomes 0.00025 and 0.00040; TOPMed 0.00034; ExAC 0.00046; 1000 Genomes Project 0.00080; 1000 Genomes Project 30x 0.00109.
gnomAD v4.1: 377 of 1,517,972 alleles (0.025%); highest among the groups gnomAD compares: Admixed American, 0.16%; 2 homozygotes.

Submissions (2):

GeneDx
Classification: Likely benign. Last evaluated: 2020-08-19. Review status: criteria provided, single submitter. Criteria: GeneDx Variant Classification Process June 2021. Collection method: clinical testing. Allele origin: germline. Affected: yes.

Illumina Laboratory Services, Illumina
Classification: Likely benign for Autosomal dominant nonsyndromic hearing loss 5. Last evaluated: 2018-01-13. Review status: criteria provided, single submitter. Criteria: ICSL Variant Classification Criteria 13 December 2019. Collection method: clinical testing. Allele origin: germline.
Comment: This variant was observed in the ICSL laboratory as part of a predisposition screen in an ostensibly healthy population. It had not been previously curated by ICSL or reported in the Human Gene Mutation Database (HGMD: prior to June 1st, 2018), and was therefore a candidate for classification through an automated scoring system. Utilizing variant allele frequency, disease prevalence and penetrance estimates, and inheritance mode, an automated score was calculated to assess if this variant is too frequent to cause the disease. Based on the score and internal cut-off values, a variant classified as likely benign is not then subjected to further curation. The score for this variant resulted in a classification of likely benign for this disease.